The following is an entry in ClinVar:

NM_001943.5(DSG2):c.289C>T (p.Pro97Ser)

Gene: DSG2 (desmoglein 2; plus strand). Cytogenetic location: 18q12.1.
Variant type: single nucleotide variant.
Coding change: c.289C>T on transcript NM_001943.5 (MANE Select); coding-DNA position 289, C replaced by T.
Protein change: p.Pro97Ser; replaces proline 97 with serine.
Molecular consequence: missense variant.
Genome position (GRCh38, 1-based): chr18:31,520,875, C>T. VCF-style: chr18-31520875-C-T. GRCh37 (hg19) VCF-style: chr18-29100838-C-T.
Other names: short protein forms P97S.
Identifiers: ClinVar variation 1797389 (VCV001797389.6), dbSNP rs1191467161, ClinGen allele CA402131476.

ClinVar aggregate classification (germline): Uncertain significance. Review status: criteria provided, multiple submitters, no conflicts (2 of 4 stars). 3 submissions from 3 submitters: Uncertain significance (3). Last evaluated 2026-03-14.

Conditions:
Cardiovascular phenotype. Identifiers: MedGen CN230736.
Arrhythmogenic right ventricular dysplasia 10. Also called: Arrhythmogenic right ventricular dysplasia/cardiomyopathy, type 10; Arrhythmogenic Right Ventricular Dysplasia/Cardiomyopathy10; ARRHYTHMOGENIC RIGHT VENTRICULAR DYSPLASIA, FAMILIAL, 10. Identifiers: MedGen C1857777, MONDO:0012434, OMIM 610193.

Allele frequency attached by ClinVar (database versions not stated): gnomAD exomes below 0.00001; TOPMed below 0.00001; gnomAD 0.00001.
gnomAD v4.1: 2 of 1,613,626 alleles (0.00012%); highest among the groups gnomAD compares: Non-Finnish European, 0.00017%; no homozygotes.

Submissions (3):

GeneDx
Classification: Uncertain significance. Last evaluated: 2026-03-14. Review status: criteria provided, single submitter. Criteria: GeneDx Variant Classification Process June 2021. Collection method: clinical testing. Allele origin: germline.
Comment: Not observed at significant frequency in large population cohorts (gnomAD); In silico analysis supports that this missense variant has a deleterious effect on protein structure/function; Has not been previously published as pathogenic or benign to our knowledge

Labcorp Genetics (formerly Invitae), Labcorp
Classification: Uncertain significance for Arrhythmogenic right ventricular dysplasia 10. Last evaluated: 2025-07-09. Review status: criteria provided, single submitter. Criteria: Invitae Variant Classification Sherloc (09022015). Collection method: clinical testing. Allele origin: germline.
Comment: This sequence change replaces proline, which is neutral and non-polar, with serine, which is neutral and polar, at codon 97 of the DSG2 protein (p.Pro97Ser). This variant is present in population databases (no rsID available, gnomAD 0.007%). This variant has not been reported in the literature in individuals affected with DSG2-related conditions. ClinVar contains an entry for this variant (Variation ID: 1797389). An algorithm developed to predict the effect of missense changes on protein structure and function outputs the following: PolyPhen-2: "Benign". The serine amino acid residue is found in multiple mammalian species, which suggests that this missense change does not adversely affect protein function. In summary, the available evidence is currently insufficient to determine the role of this variant in disease. Therefore, it has been classified as a Variant of Uncertain Significance.

Ambry Genetics
Classification: Uncertain significance for Cardiovascular phenotype. Last evaluated: 2025-03-13. Review status: criteria provided, single submitter. Criteria: Ambry Variant Classification Scheme 2023. Collection method: clinical testing. Allele origin: germline.
Comment: The p.P97S variant (also known as c.289C>T), located in coding exon 4 of the DSG2 gene, results from a C to T substitution at nucleotide position 289. The proline at codon 97 is replaced by serine, an amino acid with similar properties. This amino acid position is well conserved in available vertebrate species. In addition, the in silico prediction for this alteration is inconclusive. Since supporting evidence is limited at this time, the clinical significance of this alteration remains unclear.